The following is an entry in ClinVar:

NM_014585.6(SLC40A1):c.979A>G (p.Ile327Val)

Gene: SLC40A1 (solute carrier family 40 member 1; minus strand). Cytogenetic location: 2q32.2.
Variant type: single nucleotide variant.
Coding change: c.979A>G on transcript NM_014585.6 (MANE Select); coding-DNA position 979, A replaced by G.
Protein change: p.Ile327Val; replaces isoleucine 327 with valine.
Molecular consequence: missense variant.
Genome position (GRCh38, 1-based): chr2:189,564,007, T>C on the plus strand (A>G on the coding strand, the complement: SLC40A1 is on the minus strand). VCF-style: chr2-189564007-T-C. GRCh37 (hg19) VCF-style: chr2-190428733-T-C.
Other names: short protein forms I327V.
Identifiers: ClinVar variation 2047852 (VCV002047852.3), dbSNP rs2030845781, ClinGen allele CA349987992.

ClinVar aggregate classification (germline): Uncertain significance (1 of 4 stars; one submission).

Conditions:
Hemochromatosis type 4 (HFE4). Also called: HEMOCHROMATOSIS DUE TO DEFECT IN FERROPORTIN; HEMOCHROMATOSIS, AUTOSOMAL DOMINANT; Ferroportin disease. Identifiers: Orphanet 139491, Orphanet 647834, Orphanet 648562, MedGen C1853733, MONDO:0011631, OMIM 606069.

Allele frequency attached by ClinVar (database versions not stated): gnomAD exomes below 0.00001; TOPMed 0.00001.
gnomAD v4.1: 2 of 1,614,124 alleles (0.00012%); highest among the groups gnomAD compares: Non-Finnish European, 0.00017%; no homozygotes.

Submission:

Labcorp Genetics (formerly Invitae), Labcorp
Classification: Uncertain significance for Hemochromatosis type 4. Last evaluated: 2024-05-31. Review status: criteria provided, single submitter. Criteria: Invitae Variant Classification Sherloc (09022015). Collection method: clinical testing. Allele origin: germline.
Comment: This sequence change replaces isoleucine, which is neutral and non-polar, with valine, which is neutral and non-polar, at codon 327 of the SLC40A1 protein (p.Ile327Val). This variant is not present in population databases (gnomAD no frequency). This variant has not been reported in the literature in individuals affected with SLC40A1-related conditions. ClinVar contains an entry for this variant (Variation ID: 2047852). Advanced modeling of protein sequence and biophysical properties (such as structural, functional, and spatial information, amino acid conservation, physicochemical variation, residue mobility, and thermodynamic stability) performed at Invitae indicates that this missense variant is not expected to disrupt SLC40A1 protein function with a negative predictive value of 80%. In summary, the available evidence is currently insufficient to determine the role of this variant in disease. Therefore, it has been classified as a Variant of Uncertain Significance.